The following is an entry in ClinVar:

ClinVar aggregate classification (germline): Conflicting classifications of pathogenicity. Review status: criteria provided, conflicting classifications (1 of 4 stars). 16 submissions from 16 submitters: Uncertain significance (5); Benign (1); Likely benign (9). 1 of the submissions does not count toward it. Last evaluated 2026-11-09.

Conditions:
Hereditary nonpolyposis colon cancer (HNPCC). Also called: Hereditary nonpolyposis colorectal cancer; Familial nonpolyposis colon cancer; Hereditary Nonpolyposis Colorectal Cancer Syndrome. Identifiers: Orphanet 443909, MedGen C1333990, MONDO:0018630. Disease mechanism: loss of function.
Hereditary nonpolyposis colorectal neoplasms. Identifiers: MedGen C0009405, MeSH D003123.
Inherited polyposis and early onset colorectal cancer - germline testing.
MSH6-related disorder. Also called: MSH6-related condition; MSH6-Related disorders.
Hereditary cancer-predisposing syndrome. Also called: Hereditary neoplastic syndrome; Neoplastic Syndromes, Hereditary; Tumor predisposition; Hereditary Cancer Syndrome. Identifiers: Orphanet 140162, MedGen C0027672, MeSH D009386, MONDO:0015356.
Lynch syndrome. Identifiers: Orphanet 144, MedGen C4552100, MONDO:0005835. Disease mechanism: loss of function.
Hereditary breast ovarian cancer syndrome. Also called: BRCA1- and BRCA2-Associated Hereditary Breast and Ovarian Cancer; Hereditary breast and ovarian cancer syndrome; Hereditary breast and/or ovarian cancer syndrome; Hereditary breast and ovarian cancer; Hereditary breast and ovarian cancer syndrome (HBOC); Breast and ovarian cancer. Identifiers: Orphanet 145, MedGen C0677776, MeSH D061325, MONDO:0003582. Disease mechanism: loss of function.
Lynch syndrome 5 (LYNCH5). Also called: Colorectal cancer, hereditary nonpolyposis, type 5; Hereditary non-polyposis colorectal cancer, type 5. Identifiers: Orphanet 144, MedGen C1833477, MONDO:0013710, OMIM 614350. Disease mechanism: loss of function.

Allele frequency attached by ClinVar (database versions not stated): gnomAD 0.00004 and 0.00007; TOPMed 0.00006; gnomAD exomes 0.00007 and 0.00010; ExAC 0.00008.
gnomAD v4.1: 150 of 1,614,044 alleles (0.0093%); highest among the groups gnomAD compares: South Asian, 0.029%; 1 homozygote.

Submissions (16):

Cambridge Genomics Laboratory, East Genomic Laboratory Hub, NHS Genomic Medicine Service
Classification: Uncertain significance for Inherited polyposis and early onset colorectal cancer - germline testing. Last evaluated: 2026-11-09. Review status: criteria provided, single submitter. Criteria: ACGS Best Practice Guidelines for Variant Classification in Rare Disease 2020. Collection method: clinical testing. Allele origin: germline. Affected: yes.

Labcorp Genetics (formerly Invitae), Labcorp
Classification: Likely benign for Hereditary nonpolyposis colorectal neoplasms. Last evaluated: 2026-01-13. Review status: criteria provided, single submitter. Criteria: Invitae Variant Classification Sherloc (09022015). Collection method: clinical testing. Allele origin: germline.

Women's Health and Genetics/Laboratory Corporation of America, LabCorp
Classification: Likely benign. Last evaluated: 2025-09-04. Review status: criteria provided, single submitter. Criteria: LabCorp Variant Classification Summary - May 2015. Collection method: clinical testing. Allele origin: germline.
Comment: Variant summary: MSH6 c.1054G>A (p.Val352Ile) results in a conservative amino acid change in the encoded protein sequence. Algorithms developed to predict the effect of missense changes on protein structure and function all suggest that this variant is likely to be tolerated. The variant allele was found at a frequency of 9.3e-05 in 1614044 control chromosomes, predominantly at a frequency of 0.00029 within the South Asian subpopulation in the gnomAD database, including 1 homozygotes. The observed variant frequency within South Asian control individuals in the gnomAD database exceeds the estimated maximal expected allele frequency for disease-causing variants in MSH6. c.1054G>A has been observed in individual(s) affected with Hereditary Nonpolyposis Colorectal Cancer (Geurts-Giele_2014, Tung_2014, Yurgelun_2017, Dorling_2021, Delahunty_2022, Murphy_2022). These report(s) do not provide unequivocal conclusions about association of the variant with Hereditary Nonpolyposis Colorectal Cancer. To our knowledge, no experimental evidence demonstrating an impact on protein function has been reported. The following publications have been ascertained in the context of this evaluation (PMID: 35263119, 33471991, 25111426, 35128723, 25186627, 28135145). ClinVar contains an entry for this variant (Variation ID: 182617). Based on the evidence outlined above, the variant was classified as likely benign.

German Consortium for Hereditary Breast and Ovarian Cancer, University Hospital Cologne
Classification: Likely benign for Hereditary breast ovarian cancer syndrome. Last evaluated: 2025-01-14. Review status: criteria provided, single submitter. Criteria: ClinGen MSH6 V1.0.0. Collection method: curation. Allele origin: germline.
Comment: According to the ClinGen InSiGHT ACMG MSH6 v1.0.0 criteria we chose these criteria: BP4 (supporting benign): Weak/Null probability of pathogenicity from damage to the protein sequence : 0.10, BS1 (strong benign): gnomAD v4 GrpMAX Filter Allele Frequency: 0,2%, homozygous in gnomAD V4

Myriad Genetics, Inc.
Classification: Likely benign for Lynch syndrome 5. Last evaluated: 2025-01-08. Review status: criteria provided, single submitter. Criteria: Myriad Autosomal Dominant, Autosomal Recessive and X-Linked Classification Criteria (2023). Collection method: clinical testing. Allele origin: unknown.
Comment: This variant is considered likely benign. This variant is strongly associated with less severe personal and family histories of cancer, typical for individuals without pathogenic variants in this gene [PMID: 27363726].

Color Diagnostics, LLC DBA Color Health
Classification: Likely benign for Hereditary cancer-predisposing syndrome. Last evaluated: 2024-10-10. Review status: criteria provided, single submitter. Criteria: ACMG Guidelines, 2015. Collection method: clinical testing. Allele origin: germline.

Department of Pathology and Laboratory Medicine, Sinai Health System
Classification: Likely benign for Lynch syndrome. Last evaluated: 2023-12-22. Review status: criteria provided, single submitter. Criteria: ACMG Guidelines, 2015. Collection method: clinical testing. Allele origin: germline. Affected: yes.

Mendelics
Classification: Benign for Hereditary nonpolyposis colon cancer. Last evaluated: 2023-08-22. Review status: criteria provided, single submitter. Criteria: Mendelics Assertion Criteria 2019. Collection method: clinical testing. Allele origin: germline.

Institute for Biomarker Research, Medical Diagnostic Laboratories, L.L.C.
Classification: Uncertain significance for Hereditary cancer-predisposing syndrome. Last evaluated: 2023-06-15. Review status: criteria provided, single submitter. Criteria: ACMG Guidelines, 2015. Collection method: clinical testing. Allele origin: germline.

Quest Diagnostics Nichols Institute San Juan Capistrano
Classification: Likely benign. Last evaluated: 2022-08-15. Review status: criteria provided, single submitter. Criteria: Quest Diagnostics criteria. Collection method: clinical testing. Allele origin: unknown.

Institute for Clinical Genetics, University Hospital TU Dresden, University Hospital TU Dresden
Classification: Uncertain significance. Last evaluated: 2021-11-03. Review status: criteria provided, single submitter. Criteria: ACMG Guidelines, 2015. Collection method: clinical testing. Allele origin: germline.

GeneDx
Classification: Likely benign. Last evaluated: 2021-01-19. Review status: criteria provided, single submitter. Criteria: GeneDx Variant Classification Process June 2021. Collection method: clinical testing. Allele origin: germline. Affected: yes.
Comment: This variant is associated with the following publications: (PMID: 25111426, 28135145)

Ambry Genetics
Classification: Likely benign for Hereditary cancer-predisposing syndrome. Last evaluated: 2019-05-01. Review status: criteria provided, single submitter. Criteria: Ambry Variant Classification Scheme 2023. Collection method: clinical testing. Allele origin: germline.

Illumina Laboratory Services, Illumina
Classification: Uncertain significance for Lynch syndrome 5. Last evaluated: 2017-04-28. Review status: criteria provided, single submitter. Criteria: ICSL Variant Classification Criteria 13 December 2019. Collection method: clinical testing. Allele origin: germline.

Eurofins Ntd Llc (ga)
Classification: Uncertain significance. Last evaluated: 2014-11-20. Review status: criteria provided, single submitter. Criteria: EGL Classification Definitions 2015. Collection method: clinical testing. Allele origin: germline. Observed: 1 variant allele, 1 heterozygote.

PreventionGenetics, part of Exact Sciences
Classification: Likely benign for MSH6-related condition. Last evaluated: 2024-07-22. Review status: no assertion criteria provided. Collection method: clinical testing. Allele origin: germline. Not counted in ClinVar's aggregate classification.
Comment: This variant is classified as likely benign based on ACMG/AMP sequence variant interpretation guidelines (Richards et al. 2015 PMID: 25741868, with internal and published modifications).

Literature cited by the submitters: PubMed 25111426 (cited by Women's Health and Genetics/Laboratory Corporation of America, LabCorp and Quest Diagnostics Nichols Institute San Juan Capistrano); PubMed 25186627 (cited by 3 submitters); PubMed 28135145 (cited by 3 submitters); PubMed 33471991 (cited by 3 submitters); PubMed 35128723 (cited by Women's Health and Genetics/Laboratory Corporation of America, LabCorp); PubMed 35263119 (cited by Women's Health and Genetics/Laboratory Corporation of America, LabCorp); PubMed 27363726 (cited by Myriad Genetics, Inc.).

NM_000179.3(MSH6):c.1054G>A (p.Val352Ile)

Gene: MSH6 (mutS homolog 6; plus strand). Cytogenetic location: 2p16.3.
Variant type: single nucleotide variant.
Coding change: c.1054G>A on transcript NM_000179.3 (MANE Select); coding-DNA position 1054, G replaced by A.
Protein change: p.Val352Ile; replaces valine 352 with isoleucine.
Molecular consequence: missense variant.
Genome position (GRCh38, 1-based): chr2:47,799,037, G>A. VCF-style: chr2-47799037-G-A. GRCh37 (hg19) VCF-style: chr2-48026176-G-A.
Other names: p.V352I:GTT>ATT; c.664G>A, p.Val222Ile (NM_001281492.2); c.148G>A, p.Val50Ile (NM_001281493.2, NM_001281494.2); short protein forms V352I, V222I, V50I.
Identifiers: ClinVar variation 182617 (VCV000182617.48), dbSNP rs730881787, ClinGen allele CA007915.